The following is an entry in ClinVar:

ClinVar aggregate classification (germline): Pathogenic/Likely pathogenic. Review status: criteria provided, multiple submitters, no conflicts (2 of 4 stars). 3 submissions from 3 submitters: Pathogenic (1); Likely pathogenic (2). Last evaluated 2025-03-25.

Conditions:
Microcephalic primordial dwarfism due to RTTN deficiency (MSSP). Also called: Microcephaly, short stature, and polymicrogyria with or without seizures; MICROCEPHALY, SHORT STATURE, AND POLYMICROGYRIA. Identifiers: Orphanet 468631, MedGen C3553831, MONDO:0018764, OMIM 614833.
RTTN-related disorder. Also called: RTTN-related condition.

Allele frequency attached by ClinVar (database versions not stated): gnomAD exomes 0.00003 and 0.00002; TOPMed 0.00003; ESP Exome Variant Server 0.00008; gnomAD 0.00001; ExAC 0.00003.
gnomAD v4.1: 40 of 1,612,320 alleles (0.0025%); highest among the groups gnomAD compares: East Asian, 0.0045%; no homozygotes.

Submissions (3):

Labcorp Genetics (formerly Invitae), Labcorp
Classification: Pathogenic. Last evaluated: 2025-03-25. Review status: criteria provided, single submitter. Criteria: Invitae Variant Classification Sherloc (09022015). Collection method: clinical testing. Allele origin: germline.
Comment: This sequence change creates a premature translational stop signal (p.Gln225*) in the RTTN gene. It is expected to result in an absent or disrupted protein product. Loss-of-function variants in RTTN are known to be pathogenic (PMID: 26608784, 26846091). This variant is present in population databases (rs199700128, gnomAD 0.007%). This variant has not been reported in the literature in individuals affected with RTTN-related conditions. ClinVar contains an entry for this variant (Variation ID: 1356646). Algorithms developed to predict the effect of sequence changes on RNA splicing suggest that this variant may disrupt the consensus splice site. For these reasons, this variant has been classified as Pathogenic.

Blueprint Genetics
Classification: Likely pathogenic for RTTN-related disorders. Last evaluated: 2023-10-02. Review status: criteria provided, single submitter. Criteria: ACMG Guidelines, 2015. Collection method: clinical testing. Allele origin: germline. Affected: yes. Observed: 1 variant allele.

Juno Genomics, Hangzhou Juno Genomics, Inc
Classification: Likely pathogenic for Microcephalic primordial dwarfism due to RTTN deficiency. Review status: criteria provided, single submitter. Criteria: ACMG Guidelines, 2015. Collection method: clinical testing. Allele origin: germline.
Comment: Absent from controls (or at extremely low frequency if recessive) in Genome Aggregation Database.;Null variant in a gene where loss of function (LOF) is a known mechanism of disease.

Literature cited by the submitters: PubMed 26608784 (cited by Labcorp Genetics (formerly Invitae), Labcorp); PubMed 26846091 (cited by Labcorp Genetics (formerly Invitae), Labcorp).

NM_173630.4(RTTN):c.673C>T (p.Gln225Ter)

Gene: RTTN (rotatin; minus strand). Cytogenetic location: 18q22.2.
Variant type: single nucleotide variant.
Coding change: c.673C>T on transcript NM_173630.4 (MANE Select); coding-DNA position 673, C replaced by T.
Protein change: p.Gln225Ter; replaces glutamine 225 with a stop codon.
Molecular consequence: nonsense. On other transcripts: 5 prime UTR variant (1).
Genome position (GRCh38, 1-based): chr18:70,197,644, G>A on the plus strand (C>T on the coding strand, the complement: RTTN is on the minus strand). VCF-style: chr18-70197644-G-A. GRCh37 (hg19) VCF-style: chr18-67864880-G-A.
Other names: c.-1881C>T (NM_001318520.2); short protein forms Q225*.
Identifiers: ClinVar variation 1356646 (VCV001356646.8), dbSNP rs199700128, ClinGen allele CA8996411.